The following is an entry in ClinVar:

ClinVar aggregate classification (germline): Likely pathogenic (1 of 4 stars; one submission).

Conditions:
Early-infantile DEE. Also called: Early infantile epileptic encephalopathy; Early infantile epileptic encephalopathy with suppression bursts; Ohtahara syndrome. Identifiers: Orphanet 1934, MedGen C0393706, MONDO:0800491.

Submission:

Labcorp Genetics (formerly Invitae), Labcorp
Classification: Likely pathogenic for Early-infantile DEE. Last evaluated: 2024-09-05. Review status: criteria provided, single submitter. Criteria: Invitae Variant Classification Sherloc (09022015). Collection method: clinical testing. Allele origin: germline.
Comment: This variant, c.214_216dup, results in the insertion of 1 amino acid(s) of the SCN1A protein (p.Met72dup), but otherwise preserves the integrity of the reading frame. This variant is not present in population databases (gnomAD no frequency). This variant has been observed in individual(s) with clinical features of autosomal dominant SCN1A-related conditions and/or Dravet syndrome (PMID: 31440721; internal data). In at least one individual the variant was observed to be de novo. ClinVar contains an entry for this variant (Variation ID: 530496). Experimental studies and prediction algorithms are not available or were not evaluated, and the functional significance of this variant is currently unknown. In summary, the currently available evidence indicates that the variant is pathogenic, but additional data are needed to prove that conclusively. Therefore, this variant has been classified as Likely Pathogenic.

Literature cited by the submitters: PubMed 31440721.

NM_001165963.4(SCN1A):c.214_216dup (p.Met72dup)

Gene: SCN1A (sodium voltage-gated channel alpha subunit 1; minus strand). Cytogenetic location: 2q24.3.
Variant type: Duplication.
Coding change: c.214_216dup on transcript NM_001165963.4 (MANE Select); coding-DNA positions 214 to 216, 3 bases duplicated (ATG; older notation c.214_216dupATG).
Protein change: p.Met72dup; duplicates methionine 72.
Molecular consequence: inframe insertion. On other transcripts: 5 prime UTR variant (1), non-coding transcript variant (1).
Genome position (GRCh38, 1-based): chr2:166,073,406-166,073,408, CAT duplicated on the plus strand (ATG on the coding strand, the reverse complement: SCN1A is on the minus strand); duplicating any 3 consecutive bases within chr2:166,073,406-166,073,409 gives the same sequence; the c. name uses the placement nearest the transcript's 3' end. VCF-style (leftmost placement, unchanged base first): chr2-166073405-C-CCAT. GRCh37 (hg19) VCF-style: chr2-166929915-C-CCAT.
Other names: c.214_216dup, p.Met72dup (NM_001353954.2, NM_001353955.2, NM_001353957.2 and 10 more transcripts); c.-2212_-2210dup (NM_001353961.2).
Identifiers: ClinVar variation 530496 (VCV000530496.9), dbSNP rs1553560740, ClinGen allele CA658795939.
Genomic context (GRCh38, chr2:166,073,405, plus strand): 5'-AAAAAACACTCACTTTCTTATTGATATAGTAGGGGTCCAGGTCCTCCAGGGGCTCTGACA[C>CCAT]CATCTCTGGAGGAATGTCTCCATAAATAAATGGAAGGTTCTTTCCAGCTTCCAAGTCACT-3'